The following is an entry in ClinVar:

NM_001394062.1(MACF1):c.13067A>T (p.Glu4356Val)

Gene: MACF1 (microtubule actin crosslinking factor 1; plus strand). Cytogenetic location: 1p34.3.
Variant type: single nucleotide variant.
Coding change: c.13067A>T on transcript NM_001394062.1 (MANE Select); coding-DNA position 13067, A replaced by T.
Protein change: p.Glu4356Val; replaces glutamic acid 4356 with valine.
Molecular consequence: missense variant.
Genome position (GRCh38, 1-based): chr1:39,370,158, A>T. VCF-style: chr1-39370158-A-T. GRCh37 (hg19) VCF-style: chr1-39835830-A-T.
Other names: c.6881A>T, p.Glu2294Val (NM_012090.5); short protein forms E4356V, E2294V.
Identifiers: ClinVar variation 2376845 (VCV002376845.6), dbSNP rs151333396, ClinGen allele CA781943.

ClinVar aggregate classification (germline): Likely benign. Review status: criteria provided, multiple submitters, no conflicts (2 of 4 stars). 3 submissions from 3 submitters: Likely benign (2). 1 of the submissions does not count toward it. Last evaluated 2024-01-16.

Conditions:
Inborn genetic diseases. Identifiers: MedGen C0950123, MeSH D030342.
MACF1-related disorder. Also called: MACF1-related condition.

Allele frequency attached by ClinVar (database versions not stated): ExAC 0.00011; TOPMed 0.00018; gnomAD 0.00019; 1000 Genomes Project 0.00020; ESP Exome Variant Server 0.00023; 1000 Genomes Project 30x 0.00031.
gnomAD v4.1: 55 of 1,612,314 alleles (0.0034%); highest among the groups gnomAD compares: African/African-American, 0.071%; no homozygotes.

Submissions (3):

Labcorp Genetics (formerly Invitae), Labcorp
Classification: Likely benign. Last evaluated: 2024-01-16. Review status: criteria provided, single submitter. Criteria: Invitae Variant Classification Sherloc (09022015). Collection method: clinical testing. Allele origin: germline.

Ambry Genetics
Classification: Likely benign for Inborn genetic diseases. Last evaluated: 2021-08-18. Review status: criteria provided, single submitter. Criteria: Ambry Variant Classification Scheme 2023. Collection method: clinical testing. Allele origin: germline.

PreventionGenetics, part of Exact Sciences
Classification: Likely benign for MACF1-related condition. Last evaluated: 2024-07-16. Review status: no assertion criteria provided. Collection method: clinical testing. Allele origin: germline. Not counted in ClinVar's aggregate classification.
Comment: This variant is classified as likely benign based on ACMG/AMP sequence variant interpretation guidelines (Richards et al. 2015 PMID: 25741868, with internal and published modifications).